The following is an entry in ClinVar:

NM_017654.4(SAMD9):c.4026C>G (p.Asp1342Glu)

Gene: SAMD9 (sterile alpha motif domain containing 9; minus strand). Cytogenetic location: 7q21.2.
Variant type: single nucleotide variant.
Coding change: c.4026C>G on transcript NM_017654.4 (MANE Select); coding-DNA position 4026, C replaced by G.
Protein change: p.Asp1342Glu; replaces aspartic acid 1342 with glutamic acid.
Molecular consequence: missense variant.
Genome position (GRCh38, 1-based): chr7:93,102,072, G>C on the plus strand (C>G on the coding strand, the complement: SAMD9 is on the minus strand). VCF-style: chr7-93102072-G-C. GRCh37 (hg19) VCF-style: chr7-92731385-G-C.
Other names: c.4026C>G, p.Asp1342Glu (NM_001193307.2); short protein forms D1342E.
Identifiers: ClinVar variation 4629818 (VCV004629818.1).

ClinVar aggregate classification (germline): Uncertain significance (1 of 4 stars; one submission).

Conditions:
Inborn genetic diseases. Identifiers: MedGen C0950123, MeSH D030342.

gnomAD v4.1: 1 of 1,613,106 alleles (0.000062%); highest among the groups gnomAD compares: Admixed American, 0.0017%; no homozygotes.

Submission:

Ambry Genetics
Classification: Uncertain significance for Inborn genetic diseases. Last evaluated: 2025-09-23. Review status: criteria provided, single submitter. Criteria: Ambry Variant Classification Scheme 2023. Collection method: clinical testing. Allele origin: germline.
Comment: The p.D1342E variant (also known as c.4026C>G), located in coding exon 1 of the SAMD9 gene, results from a C to G substitution at nucleotide position 4026. The aspartic acid at codon 1342 is replaced by glutamic acid, an amino acid with highly similar properties. This amino acid position is conserved. In addition, this alteration is predicted to be tolerated by in silico analysis. Based on the available evidence, the clinical significance of this variant remains unclear.